The following is an entry in ClinVar:

ClinVar aggregate classification (germline): Uncertain significance (1 of 4 stars; one submission).

gnomAD v4.1: 2 of 1,614,120 alleles (0.00012%); highest among the groups gnomAD compares: East Asian, 0.0022%; no homozygotes.

Submission:

GeneDx
Classification: Uncertain significance. Last evaluated: 2024-05-05. Review status: criteria provided, single submitter. Criteria: GeneDx Variant Classification Process June 2021. Collection method: clinical testing. Allele origin: germline. Affected: yes.
Comment: Not observed at significant frequency in large population cohorts (gnomAD); In silico analysis supports that this missense variant has a deleterious effect on protein structure/function; Has not been previously published as pathogenic or benign to our knowledge

NM_001379029.1(CERT1):c.1706G>T (p.Ser569Ile)

Gene: CERT1 (ceramide transporter 1; minus strand). Cytogenetic location: 5q13.3.
Variant type: single nucleotide variant.
Coding change: c.1706G>T on transcript NM_001379029.1 (MANE Select); coding-DNA position 1706, G replaced by T.
Protein change: p.Ser569Ile; replaces serine 569 with isoleucine.
Molecular consequence: missense variant.
Genome position (GRCh38, 1-based): chr5:75,381,113, C>A on the plus strand (G>T on the coding strand, the complement: CERT1 is on the minus strand). VCF-style: chr5-75381113-C-A. GRCh37 (hg19) VCF-style: chr5-74676938-C-A.
Other names: c.2090G>T, p.Ser697Ile (NM_001130105.1); c.1706G>T, p.Ser569Ile (NM_001379002.1, NM_005713.3); c.1628G>T, p.Ser543Ile (NM_001379003.1, NM_001379004.1, NM_031361.3); short protein forms S543I, S569I, S697I.
Identifiers: ClinVar variation 3375873 (VCV003375873.1).